The following is an entry in ClinVar:

NM_005094.4(SLC27A4):c.1511G>T (p.Arg504Leu)

Gene: SLC27A4 (solute carrier family 27 member 4; plus strand). Cytogenetic location: 9q34.11.
Variant type: single nucleotide variant.
Coding change: c.1511G>T on transcript NM_005094.4 (MANE Select); coding-DNA position 1511, G replaced by T.
Protein change: p.Arg504Leu; replaces arginine 504 with leucine.
Molecular consequence: missense variant.
Genome position (GRCh38, 1-based): chr9:128,355,446, G>T. VCF-style: chr9-128355446-G-T. GRCh37 (hg19) VCF-style: chr9-131117725-G-T.
Other names: short protein forms R504L.
Identifiers: ClinVar variation 978727 (VCV000978727.7), dbSNP rs776594920, ClinGen allele CA375036606.

ClinVar aggregate classification (germline): Likely pathogenic. Review status: criteria provided, single submitter (1 of 4 stars). 2 submissions from 2 submitters: Likely pathogenic (1). 1 of the submissions does not count toward it. Last evaluated 2023-03-26.

Conditions:
Ichthyosis prematurity syndrome (IPS). Also called: ICHTHYOSIS CONGENITA IV. Identifiers: Orphanet 88621, MedGen C1837610, MONDO:0012089, OMIM 608649.

Submissions (2):

Labcorp Genetics (formerly Invitae), Labcorp
Classification: Likely pathogenic. Last evaluated: 2023-03-26. Review status: criteria provided, single submitter. Criteria: Invitae Variant Classification Sherloc (09022015). Collection method: clinical testing. Allele origin: germline.
Comment: This variant is not present in population databases (gnomAD no frequency). This sequence change replaces arginine, which is basic and polar, with leucine, which is neutral and non-polar, at codon 504 of the SLC27A4 protein (p.Arg504Leu). This missense change has been observed in individual(s) with ichthyosis prematurity syndrome (PMID: 33935161). In at least one individual the data is consistent with being in trans (on the opposite chromosome) from a pathogenic variant. ClinVar contains an entry for this variant (Variation ID: 978727). Advanced modeling of protein sequence and biophysical properties (such as structural, functional, and spatial information, amino acid conservation, physicochemical variation, residue mobility, and thermodynamic stability) performed at Invitae indicates that this missense variant is expected to disrupt SLC27A4 protein function. This variant disrupts the p.Arg504 amino acid residue in SLC27A4. Other variant(s) that disrupt this residue have been observed in individuals with SLC27A4-related conditions (PMID: 21450060, 30077338), which suggests that this may be a clinically significant amino acid residue. In summary, the currently available evidence indicates that the variant is pathogenic, but additional data are needed to prove that conclusively. Therefore, this variant has been classified as Likely Pathogenic.

Center for Molecular Medicine, Children’s Hospital of Fudan University
Classification: Likely pathogenic for Ichthyosis prematurity syndrome. Last evaluated: 2020-07-07. Review status: no assertion criteria provided. Collection method: clinical testing. Allele origin: paternal. Affected: yes. Not counted in ClinVar's aggregate classification.

Literature cited by the submitters: PubMed 33935161 (cited by Labcorp Genetics (formerly Invitae), Labcorp); PubMed 21450060 (cited by Labcorp Genetics (formerly Invitae), Labcorp); PubMed 30077338 (cited by Labcorp Genetics (formerly Invitae), Labcorp).